The following is an entry in ClinVar:

ClinVar aggregate classification (germline): Uncertain significance. Review status: criteria provided, multiple submitters, no conflicts (2 of 4 stars). 3 submissions from 3 submitters: Uncertain significance (3). Last evaluated 2025-06-21.

Conditions:
Hereditary cancer-predisposing syndrome. Also called: Neoplastic Syndromes, Hereditary; Hereditary Cancer Syndrome; Tumor predisposition; Hereditary neoplastic syndrome. Identifiers: Orphanet 140162, MedGen C0027672, MeSH D009386, MONDO:0015356.
Ataxia-telangiectasia syndrome (AT). Also called: LOUIS-BAR SYNDROME; Cerebello-oculocutaneous telangiectasia; Immunodeficiency with ataxia telangiectasia; Ataxia-telangiectasia, complementation group D; AT, COMPLEMENTATION GROUP C; Ataxia-telangiectasia, complementation group E. Identifiers: Orphanet 100, MedGen C0004135, MONDO:0008840, OMIM 208900.

Submissions (3):

Ambry Genetics
Classification: Uncertain significance for Hereditary cancer-predisposing syndrome. Last evaluated: 2025-06-21. Review status: criteria provided, single submitter. Criteria: Ambry Variant Classification Scheme 2023. Collection method: clinical testing. Allele origin: germline.
Comment: The p.I2683T variant (also known as c.8048T>C), located in coding exon 54 of the ATM gene, results from a T to C substitution at nucleotide position 8048. The isoleucine at codon 2683 is replaced by threonine, an amino acid with similar properties. This amino acid position is not well conserved in available vertebrate species. In addition, this alteration is predicted to be deleterious by in silico analysis. Since supporting evidence is limited at this time, the clinical significance of this alteration remains unclear.

Labcorp Genetics (formerly Invitae), Labcorp
Classification: Uncertain significance for Ataxia-telangiectasia syndrome. Last evaluated: 2023-07-10. Review status: criteria provided, single submitter. Criteria: Invitae Variant Classification Sherloc (09022015). Collection method: clinical testing. Allele origin: germline.
Comment: In summary, the available evidence is currently insufficient to determine the role of this variant in disease. Therefore, it has been classified as a Variant of Uncertain Significance. An algorithm developed to predict the effect of missense changes on protein structure and function (PolyPhen-2) suggests that this variant is likely to be tolerated. ClinVar contains an entry for this variant (Variation ID: 485237). This variant has not been reported in the literature in individuals affected with ATM-related conditions. This variant is not present in population databases (gnomAD no frequency). This sequence change replaces isoleucine, which is neutral and non-polar, with threonine, which is neutral and polar, at codon 2683 of the ATM protein (p.Ile2683Thr).

Color Diagnostics, LLC DBA Color Health
Classification: Uncertain significance for Hereditary cancer-predisposing syndrome. Last evaluated: 2023-04-11. Review status: criteria provided, single submitter. Criteria: ACMG Guidelines, 2015. Collection method: clinical testing. Allele origin: germline.
Comment: This missense variant replaces isoleucine with threonine at codon 2683 of the ATM protein. Computational prediction suggests that this variant may have deleterious impact on protein structure and function (internally defined REVEL score threshold >= 0.7, PMID: 27666373). To our knowledge, functional studies have not been reported for this variant. This variant has been reported in two siblings in compound heterozygous state with p.Ser2860Pro in the same gene, who presented isolated segmental dystonia without signs of ataxia and telangiectasias (PMID: 37009283). This variant has not been identified in the general population by the Genome Aggregation Database (gnomAD). The available evidence is insufficient to determine the role of this variant in disease conclusively. Therefore, this variant is classified as a Variant of Uncertain Significance.

Literature cited by the submitters: PubMed 37009283 (cited by Color Diagnostics, LLC DBA Color Health).

NM_000051.4(ATM):c.8048T>C (p.Ile2683Thr)

Genes: C11orf65 (chromosome 11 open reading frame 65; minus strand), ATM (ATM serine/threonine kinase; plus strand). Cytogenetic location: 11q22.3.
Variant type: single nucleotide variant.
Coding change: c.8048T>C on transcript NM_000051.4 (MANE Select); coding-DNA position 8048, T replaced by C.
Protein change: p.Ile2683Thr; replaces isoleucine 2683 with threonine.
Molecular consequence: missense variant. On other transcripts: intron variant (2).
Genome position (GRCh38, 1-based): chr11:108,335,006, T>C. VCF-style: chr11-108335006-T-C. GRCh37 (hg19) VCF-style: chr11-108205733-T-C.
Other names: c.8048T>C, p.Ile2683Thr (NM_001351834.2); c.641-25935A>G (NM_001330368.2); c.*38+214A>G (NM_001351110.2); short protein forms I2683T.
Identifiers: ClinVar variation 485237 (VCV000485237.14), dbSNP rs1555127096, ClinGen allele CA382561914.